The following is an entry in ClinVar:

ClinVar aggregate classification (germline): Uncertain significance (1 of 4 stars; one submission).

Conditions:
Lymphoproliferative syndrome 1 (LPFS1). Identifiers: Orphanet 238505, Orphanet 538963, MedGen C3552634, MONDO:0013081, OMIM 613011.

Submission:

Labcorp Genetics (formerly Invitae), Labcorp
Classification: Uncertain significance for Lymphoproliferative syndrome 1. Last evaluated: 2022-02-08. Review status: criteria provided, single submitter. Criteria: Invitae Variant Classification Sherloc (09022015). Collection method: clinical testing. Allele origin: germline.
Comment: In summary, the available evidence is currently insufficient to determine the role of this variant in disease. Therefore, it has been classified as a Variant of Uncertain Significance. Advanced modeling of protein sequence and biophysical properties (such as structural, functional, and spatial information, amino acid conservation, physicochemical variation, residue mobility, and thermodynamic stability) performed at Invitae indicates that this missense variant is not expected to disrupt ITK protein function. This variant has not been reported in the literature in individuals affected with ITK-related conditions. This variant is not present in population databases (gnomAD no frequency). This sequence change replaces tyrosine, which is neutral and polar, with phenylalanine, which is neutral and non-polar, at codon 446 of the ITK protein (p.Tyr446Phe).

NM_005546.4(ITK):c.1337A>T (p.Tyr446Phe)

Gene: ITK (IL2 inducible T cell kinase; plus strand). Cytogenetic location: 5q33.3.
Variant type: single nucleotide variant.
Coding change: c.1337A>T on transcript NM_005546.4 (MANE Select); coding-DNA position 1337, A replaced by T.
Protein change: p.Tyr446Phe; replaces tyrosine 446 with phenylalanine.
Molecular consequence: missense variant.
Genome position (GRCh38, 1-based): chr5:157,244,366, A>T. VCF-style: chr5-157244366-A-T. GRCh37 (hg19) VCF-style: chr5-156671376-A-T.
Other names: short protein forms Y446F.
Identifiers: ClinVar variation 1350051 (VCV001350051.8), dbSNP rs2113775023, ClinGen allele CA361961550.